The following is an entry in ClinVar:

ClinVar aggregate classification (germline): Uncertain significance (1 of 4 stars; one submission).

Conditions:
Arrhythmogenic right ventricular dysplasia 13. Also called: ARRHYTHMOGENIC RIGHT VENTRICULAR CARDIOMYOPATHY 13; Arrhythmogenic right ventricular dysplasia, familial, 13. Identifiers: MedGen C3810138, MONDO:0000908, OMIM 615616.

Allele frequency attached by ClinVar (database versions not stated): TOPMed below 0.00001; gnomAD exomes 0.00001; ExAC 0.00002.
gnomAD v4.1: 15 of 1,614,108 alleles (0.00093%); highest among the groups gnomAD compares: Middle Eastern, 0.033%; no homozygotes.

Submission:

Labcorp Genetics (formerly Invitae), Labcorp
Classification: Uncertain significance for Arrhythmogenic right ventricular dysplasia 13. Last evaluated: 2026-01-11. Review status: criteria provided, single submitter. Criteria: Invitae Variant Classification Sherloc (09022015). Collection method: clinical testing. Allele origin: germline.
Comment: This sequence change replaces arginine, which is basic and polar, with glutamine, which is neutral and polar, at codon 873 of the CTNNA3 protein (p.Arg873Gln). This variant is present in population databases (rs778921417, gnomAD 0.0009%). This variant has not been reported in the literature in individuals affected with CTNNA3-related conditions. ClinVar contains an entry for this variant (Variation ID: 2201885). Invitae Evidence Modeling of protein sequence and biophysical properties (such as structural, functional, and spatial information, amino acid conservation, physicochemical variation, residue mobility, and thermodynamic stability) indicates that this missense variant is not expected to disrupt CTNNA3 protein function with a negative predictive value of 80%. In summary, the available evidence is currently insufficient to determine the role of this variant in disease. Therefore, it has been classified as a Variant of Uncertain Significance.

NM_013266.4(CTNNA3):c.2618G>A (p.Arg873Gln)

Gene: CTNNA3 (catenin alpha 3; minus strand). Cytogenetic location: 10q21.3.
Variant type: single nucleotide variant.
Coding change: c.2618G>A on transcript NM_013266.4 (MANE Select); coding-DNA position 2618, G replaced by A.
Protein change: p.Arg873Gln; replaces arginine 873 with glutamine.
Molecular consequence: missense variant.
Genome position (GRCh38, 1-based): chr10:65,920,400, C>T on the plus strand (G>A on the coding strand, the complement: CTNNA3 is on the minus strand). VCF-style: chr10-65920400-C-T. GRCh37 (hg19) VCF-style: chr10-67680158-C-T.
Other names: c.2618G>A, p.Arg873Gln (NM_001127384.3); short protein forms R873Q.
Identifiers: ClinVar variation 2201885 (VCV002201885.4), dbSNP rs778921417, ClinGen allele CA5519536.